The following is an entry in ClinVar:

ClinVar aggregate classification (germline): Conflicting classifications of pathogenicity. Review status: criteria provided, conflicting classifications (1 of 4 stars). 2 submissions from 2 submitters: Likely pathogenic (1); Uncertain significance (1). Last evaluated 2024-10-14.

Allele frequency attached by ClinVar (database versions not stated): TOPMed below 0.00001; gnomAD 0.00001.
gnomAD v4.1: 3 of 1,595,612 alleles (0.00019%); highest among the groups gnomAD compares: Non-Finnish European, 0.00026%; no homozygotes.

Submissions (2):

Blueprint Genetics
Classification: Uncertain significance. Last evaluated: 2024-10-14. Review status: criteria provided, single submitter. Criteria: ACMG Guidelines, 2015. Collection method: clinical testing. Allele origin: germline.

Labcorp Genetics (formerly Invitae), Labcorp
Classification: Likely pathogenic. Last evaluated: 2023-06-16. Review status: criteria provided, single submitter. Criteria: Invitae Variant Classification Sherloc (09022015). Collection method: clinical testing. Allele origin: germline.
Comment: This variant has not been reported in the literature in individuals affected with KIAA0556-related conditions. This variant is not present in population databases (gnomAD no frequency). This sequence change affects a donor splice site in intron 23 of the KIAA0556 gene. It is expected to disrupt RNA splicing. Variants that disrupt the donor or acceptor splice site typically lead to a loss of protein function (PMID: 16199547), and loss-of-function variants in KIAA0556 are known to be pathogenic (PMID: 26714646, 27245168). Algorithms developed to predict the effect of sequence changes on RNA splicing suggest that this variant may disrupt the consensus splice site. In summary, the currently available evidence indicates that the variant is pathogenic, but additional data are needed to prove that conclusively. Therefore, this variant has been classified as Likely Pathogenic.

Literature cited by the submitters: PubMed 16199547 (cited by Labcorp Genetics (formerly Invitae), Labcorp); PubMed 26714646 (cited by Labcorp Genetics (formerly Invitae), Labcorp); PubMed 27245168 (cited by Labcorp Genetics (formerly Invitae), Labcorp).

NM_015202.5(KATNIP):c.4309+2T>C

Gene: KATNIP (katanin interacting protein; plus strand). Cytogenetic location: 16p12.1.
Variant type: single nucleotide variant.
Coding change: c.4309+2T>C on transcript NM_015202.5 (MANE Select); the canonical splice donor site of the intron after coding-DNA position 4309, T replaced by C.
Molecular consequence: splice donor variant.
Genome position (GRCh38, 1-based): chr16:27,773,211, T>C. VCF-style: chr16-27773211-T-C. GRCh37 (hg19) VCF-style: chr16-27784532-T-C.
Identifiers: ClinVar variation 2999418 (VCV002999418.4), dbSNP rs1249666333, ClinGen allele CA395331141.
Genomic context (GRCh38, chr16:27,773,211, plus strand): 5'-CCTCACCGGCCTGGAGCTGTATGACGAGCGAGGAGAAAAAATCCCCTTGTCGGAAAACAG[T>C]ATCCTTTGTAGGACAGGAGTGGGCTCCACCCAGACTGAAGGGAGCATGGGAGGGTCGGGA-3'